The following is an entry in ClinVar:

NM_015021.3(ZNF292):c.915A>G (p.Arg305=)

Gene: ZNF292 (zinc finger protein 292; plus strand). Cytogenetic location: 6q14.3.
Variant type: single nucleotide variant.
Coding change: c.915A>G on transcript NM_015021.3 (MANE Select); coding-DNA position 915, A replaced by G.
Protein change: p.Arg305=; no amino-acid change (arginine 305 retained).
Molecular consequence: synonymous variant.
Genome position (GRCh38, 1-based): chr6:87,245,539, A>G. VCF-style: chr6-87245539-A-G. GRCh37 (hg19) VCF-style: chr6-87955257-A-G.
Other names: c.495A>G, p.Arg165= (NM_001351444.2).
Identifiers: ClinVar variation 5041049 (VCV005041049.1).

ClinVar aggregate classification (germline): Likely benign (1 of 4 stars; one submission).

gnomAD v4.1: 39 of 1,547,976 alleles (0.0025%); highest among the groups gnomAD compares: Non-Finnish European, 0.0034%; no homozygotes.

Submission:

CeGaT Center for Human Genetics Tuebingen
Classification: Likely benign. Last evaluated: 2026-09-01. Review status: criteria provided, single submitter. Criteria: CeGaT Center For Human Genetics Tuebingen Variant Classification Criteria Version 2. Collection method: clinical testing. Allele origin: germline. Affected: yes. Observed: 1 variant allele.
Comment: ZNF292: BP4, BP7